The following is an entry in ClinVar:

ClinVar aggregate classification (germline): Uncertain significance (1 of 4 stars; one submission).

Conditions:
PHGDH deficiency. Identifiers: Orphanet 79351, MedGen C1866174, MONDO:0011152, OMIM 601815.

Allele frequency attached by ClinVar (database versions not stated): gnomAD exomes below 0.00001 and 0.00001.
gnomAD v4.1: 2 of 1,610,744 alleles (0.00012%); highest among the groups gnomAD compares: Non-Finnish European, 0.000085%; no homozygotes.

Submission:

Labcorp Genetics (formerly Invitae), Labcorp
Classification: Uncertain significance for PHGDH deficiency. Last evaluated: 2021-09-01. Review status: criteria provided, single submitter. Criteria: Invitae Variant Classification Sherloc (09022015). Collection method: clinical testing. Allele origin: germline.
Comment: This sequence change replaces methionine with valine at codon 477 of the PHGDH protein (p.Met477Val). The methionine residue is weakly conserved and there is a small physicochemical difference between methionine and valine. This variant is not present in population databases (ExAC no frequency). This variant has not been reported in the literature in individuals affected with PHGDH-related conditions. Algorithms developed to predict the effect of missense changes on protein structure and function output the following: SIFT: "Tolerated"; PolyPhen-2: "Benign"; Align-GVGD: "Class C0". The valine amino acid residue is found in multiple mammalian species, which suggests that this missense change does not adversely affect protein function. Algorithms developed to predict the effect of sequence changes on RNA splicing suggest that this variant may create or strengthen a splice site. In summary, the available evidence is currently insufficient to determine the role of this variant in disease. Therefore, it has been classified as a Variant of Uncertain Significance.

NM_006623.4(PHGDH):c.1429A>G (p.Met477Val)

Gene: PHGDH (phosphoglycerate dehydrogenase; plus strand). Cytogenetic location: 1p12.
Variant type: single nucleotide variant.
Coding change: c.1429A>G on transcript NM_006623.4 (MANE Select); coding-DNA position 1429, A replaced by G.
Protein change: p.Met477Val; replaces methionine 477 with valine.
Molecular consequence: missense variant.
Genome position (GRCh38, 1-based): chr1:119,743,026, A>G. VCF-style: chr1-119743026-A-G. GRCh37 (hg19) VCF-style: chr1-120285649-A-G.
Other names: short protein forms M477V.
Identifiers: ClinVar variation 1467967 (VCV001467967.5), dbSNP rs1249140637, ClinGen allele CA341853963.